The following continues an entry in ClinVar:

NM_001048174.2(MUTYH):c.1103-2A>G

Gene: MUTYH. ClinVar aggregate classification (germline): Pathogenic/Likely pathogenic. Pathogenic (15); Likely pathogenic (1).

Submissions 11 to 16 of 16:

Women's Health and Genetics/Laboratory Corporation of America, LabCorp
Classification: Pathogenic for Familial adenomatous polyposis 2. Last evaluated: 2022-02-21. Review status: criteria provided, single submitter. Criteria: LabCorp Variant Classification Summary - May 2015. Collection method: clinical testing. Allele origin: germline.
Comment: Variant summary: MUTYH c.1187-2A>G is located in a canonical splice-site and is predicted to affect mRNA splicing resulting in a significantly altered protein due to either exon skipping, shortening, or inclusion of intronic material. Several computational tools predict a significant impact on normal splicing: Four predict the variant abolishes a 3 prime acceptor site. Four predict the variant creates/strengthens an exonic cryptic 3 prime acceptor site. One study reports experimental evidence in support of a deleterious effect of the variant, specifically demonstrating no expression of the variant allele following cDNA analysis in one patient (Farrington_2005). The variant allele was found at a frequency of 2.4e-05 in 249628 control chromosomes (gnomAD). c.1187-2A>G has been reported in the literature in individuals affected with MUTYH-associated Polyposis (e.g. Church_2016, Eliason_2005, Farrington_2005, Wang_2004). These data indicate that the variant is likely to be associated with disease. Nine clinical diagnostic laboratories have submitted clinical-significance assessments for this variant to ClinVar after 2014 and all laboratories classified the variant as pathogenic (n=8) and likely pathogenic (n=1). Based on the evidence outlined above, the variant was classified as pathogenic.

ARUP Laboratories, Molecular Genetics and Genomics, ARUP Laboratories
Classification: Pathogenic. Last evaluated: 2021-05-03. Review status: criteria provided, single submitter. Criteria: ARUP Molecular Germline Variant Investigation Process 2021. Collection method: clinical testing. Allele origin: germline.
Comment: The MUTYH c.1187-2A>G variant (rs587781628), also known as IVS12-2A>G and 9639A>G, is reported in the literature in both the heterozygous and compound heterozygous states in individuals with MYH-associated polyposis (Church 2016, Eliason 2005, Farrington 2005, Wang 2004). This variant is also reported as pathogenic by multiple laboratories in ClinVar (Variation ID: 141282). It is found in the general population with an overall allele frequency of 0.002% (7/281032 alleles) in the Genome Aggregation Database, indicating it is not a common polymorphism. This variant disrupts the canonical splice acceptor site of intron 12, and RNA analysis demonstrated transcripts with this splicing variant were absent, indicating this variant causes a null allele (Farrington 2005). Based on available information, this variant is considered to be pathogenic. REFERENCES Church J et al. The "Studded" Rectum: Phenotypic Evidence of MYH-Associated Polyposis. Dis Colon Rectum. 2016 Jun;59(6):565-9. PMID: 27145315. Eliason K et al. The potential for increased clinical sensitivity in genetic testing for polyposis colorectal cancer through the analysis of MYH mutations in North American patients. J Med Genet. 2005 Jan;42(1):95-6. PMID: 15635083. Farrington SM et al. Germline susceptibility to colorectal cancer due to base-excision repair gene defects. Am J Hum Genet. 2005 Jul;77(1):112-9. PMID: 15931596. Wang L et al. MYH mutations in patients with attenuated and classic polyposis and with young-onset colorectal cancer without polyps. Gastroenterology. 2004 Jul;127(1):9-16. PMID: 15236166.

Laboratory for Molecular Medicine, Mass General Brigham Personalized Medicine
Classification: Pathogenic for Familial adenomatous polyposis 2. Last evaluated: 2019-01-31. Review status: criteria provided, single submitter. Criteria: LMM Criteria. Collection method: clinical testing. Allele origin: germline. Inheritance: Autosomal recessive inheritance. Observed: 1 variant allele.
Comment: The c.1187-2A>G variant has been reported in 2 individuals with colorectal cancer and/or polyps, one whom was compound heterozygous for this variant and a second pathogenic variant in MUTYH (Wang 2004, Eliason 2005). This variant has also been identified in 1/19908 East Asian chromosomes by the Genome Aggregation Database (GnomAD; dbSNP rs587781628). However, this frequency is low enough to be consistent with the frequency of MUTYH-related attenuated familial adenomatous polyposis in the general population. This variant occurs in the invariant region (+/- 1,2) of the splice consensus sequence and is predicted to cause altered splicing leading to an abnormal or absent protein. In summary, this variant meets criteria to be classified as pathogenic for MUTYH-related attenuated familial adenomatous polyposis in an autosomal recessive manner based upon its predict impact to the protein. ACMG/AMP criteria applied: PVS1, PM3, PS4_P.

Revvity Omics, Revvity
Classification: Pathogenic for Familial adenomatous polyposis 2. Last evaluated: 2019-01-29. Review status: criteria provided, single submitter. Criteria: ACMG Guidelines, 2015. Collection method: clinical testing. Allele origin: germline.

Illumina Laboratory Services, Illumina
Classification: Likely pathogenic for MYH-Associated Polyposis. Last evaluated: 2016-06-14. Review status: criteria provided, single submitter. Criteria: ICSL Variant Classification 20161018. Collection method: clinical testing. Allele origin: germline.
Comment: The c.1187-2A>G variant, also referred to as c.1145-2A>G and IVS12-2A>G, occurs in a canonical splice site (acceptor) and is therefore predicted to disrupt or distort the normal gene product. Across three studies, this variant was reported in three colorectal cancer patients, including two patients who carried the variant in a compound heterozygous state with a second known pathogenic variant and in one patient who was heterozygous for the c.1187-2A>G variant (Wang et al. 2004; Eliason et al. 2005; Farrington et al. 2005). The variant was absent from 1845 control individuals but is reported at a frequency of 0.00003 in the European (Non-Finnish) population of the Exome Aggregation Consortium. This frequency is based on only two alleles so it is presumed to be rare. RNA transcript analysis of RNA from one of the compound heterozygous patients revealed only the missense variant transcript and no wild type transcript, indicating that the splice acceptor variant is a null allele (Farrington et al. 2005). Based on the evidence and due to the potential impact of splice acceptor variants, the c.1187-2A>G variant is classified as likely pathogenic for MYH-associated polyposis.

Pathway Genomics
Classification: Pathogenic for Carcinoma of colon. Last evaluated: 2014-10-30. Review status: criteria provided, single submitter. Criteria: ACMG Guidelines, 2015. Collection method: clinical testing. Allele origin: germline. Affected: yes.

Literature cited by the submitters: PubMed 15236166 (cited by 9 submitters); PubMed 15931596 (cited by 9 submitters); PubMed 27145315 (cited by 4 submitters); PubMed 21171015 (cited by Ambry Genetics); PubMed 15635083 (cited by 5 submitters); PubMed 26202870 (cited by Quest Diagnostics Nichols Institute San Juan Capistrano); PubMed 34326862 (cited by Quest Diagnostics Nichols Institute San Juan Capistrano); PubMed 33471991 (cited by Quest Diagnostics Nichols Institute San Juan Capistrano).